The following is an entry in ClinVar:

NM_001005337.3(PKP1):c.*2505C>G

Gene: PKP1 (plakophilin 1; plus strand). Cytogenetic location: 1q32.1.
Variant type: single nucleotide variant.
Coding change: c.*2505C>G on transcript NM_001005337.3 (MANE Select); 2505 bases downstream of the stop codon, C replaced by G.
Molecular consequence: 3 prime UTR variant.
Genome position (GRCh38, 1-based): chr1:201,332,546, C>G. VCF-style: chr1-201332546-C-G. GRCh37 (hg19) VCF-style: chr1-201301674-C-G.
Other names: c.*2505C>G (NM_000299.4).
Identifiers: ClinVar variation 294878 (VCV000294878.6), dbSNP rs61819987, ClinGen allele CA10609477.

ClinVar aggregate classification (germline): Benign. Review status: criteria provided, multiple submitters, no conflicts (2 of 4 stars). 2 submissions from 2 submitters: Benign (2). Last evaluated 2018-01-13.

Conditions:
Epidermolysis bullosa simplex due to plakophilin deficiency. Also called: MCGRATH SYNDROME. Identifiers: Orphanet 158668, MedGen C1858302, MONDO:0011472, OMIM 604536.

Allele frequency attached by ClinVar (database versions not stated): 1000 Genomes Project 30x 0.04138; 1000 Genomes Project 0.04233; gnomAD 0.04427; TOPMed 0.04460; gnomAD exomes 0.12500.

Submissions (2):

Illumina Laboratory Services, Illumina
Classification: Benign for Epidermolysis bullosa simplex due to plakophilin deficiency. Last evaluated: 2018-01-13. Review status: criteria provided, single submitter. Criteria: ICSL Variant Classification Criteria 13 December 2019. Collection method: clinical testing. Allele origin: germline.
Comment: This variant was observed in the ICSL laboratory as part of a predisposition screen in an ostensibly healthy population. It had not been previously curated by ICSL or reported in the Human Gene Mutation Database (HGMD: prior to June 1st, 2018), and was therefore a candidate for classification through an automated scoring system. Utilizing variant allele frequency, disease prevalence and penetrance estimates, and inheritance mode, an automated score was calculated to assess if this variant is too frequent to cause the disease. Based on the score and internal cut-off values, a variant classified as benign is not then subjected to further curation. The score for this variant resulted in a classification of benign for this disease.

Breakthrough Genomics
Classification: Benign. Review status: criteria provided, single submitter. Criteria: ACMG Guidelines, 2015. Collection method: not provided. Allele origin: germline. Inheritance: Autosomal recessive inheritance. Affected: yes.